The following is an entry in ClinVar:

ClinVar aggregate classification (germline): Uncertain significance. Review status: criteria provided, multiple submitters, no conflicts (2 of 4 stars). 2 submissions from 2 submitters: Uncertain significance (2). Last evaluated 2025-08-05.

gnomAD v4.1: 5 of 1,606,522 alleles (0.00031%); highest among the groups gnomAD compares: South Asian, 0.0022%; no homozygotes.

Submissions (2):

Ambry Genetics
Classification: Uncertain significance. Last evaluated: 2025-08-05. Review status: criteria provided, single submitter. Criteria: Ambry Variant Classification Scheme 2023. Collection method: clinical testing. Allele origin: germline.
Comment: The p.F213C variant (also known as c.638T>G), located in coding exon 5 of the RECQL gene, results from a T to G substitution at nucleotide position 638. The phenylalanine at codon 213 is replaced by cysteine, an amino acid with highly dissimilar properties. This amino acid position is well conserved in available vertebrate species. In addition, this alteration is predicted to be tolerated by in silico analysis. The evidence for this gene-disease relationship is limited; therefore, the clinical significance of this alteration is unclear.

Labcorp Genetics (formerly Invitae), Labcorp
Classification: Uncertain significance. Last evaluated: 2023-12-11. Review status: criteria provided, single submitter. Criteria: Invitae Variant Classification Sherloc (09022015). Collection method: clinical testing. Allele origin: germline.
Comment: This sequence change replaces phenylalanine, which is neutral and non-polar, with cysteine, which is neutral and slightly polar, at codon 213 of the RECQL protein (p.Phe213Cys). This variant is present in population databases (no rsID available, gnomAD 0.003%). This variant has not been reported in the literature in individuals affected with RECQL-related conditions. ClinVar contains an entry for this variant (Variation ID: 1753234). Advanced modeling of protein sequence and biophysical properties (such as structural, functional, and spatial information, amino acid conservation, physicochemical variation, residue mobility, and thermodynamic stability) performed at Invitae indicates that this missense variant is not expected to disrupt RECQL protein function with a negative predictive value of 80%. In summary, the available evidence is currently insufficient to determine the role of this variant in disease. Therefore, it has been classified as a Variant of Uncertain Significance.

NM_002907.4(RECQL):c.638T>G (p.Phe213Cys)

Gene: RECQL (RecQ like helicase; minus strand). Cytogenetic location: 12p12.1.
Variant type: single nucleotide variant.
Coding change: c.638T>G on transcript NM_002907.4 (MANE Select); coding-DNA position 638, T replaced by G.
Protein change: p.Phe213Cys; replaces phenylalanine 213 with cysteine.
Molecular consequence: missense variant.
Genome position (GRCh38, 1-based): chr12:21,483,438, A>C on the plus strand (T>G on the coding strand, the complement: RECQL is on the minus strand). VCF-style: chr12-21483438-A-C. GRCh37 (hg19) VCF-style: chr12-21636372-A-C.
Other names: c.638T>G, p.Phe213Cys (NM_032941.3); short protein forms F213C.
Identifiers: ClinVar variation 1753234 (VCV001753234.7), dbSNP rs1222303608, ClinGen allele CA384126991.